The following is an entry in ClinVar:

ClinVar aggregate classification (germline): Uncertain significance. Review status: criteria provided, multiple submitters, no conflicts (2 of 4 stars). 2 submissions from 2 submitters: Uncertain significance (2). Last evaluated 2025-07-02.

Conditions:
Inborn genetic diseases. Identifiers: MedGen C0950123, MeSH D030342.

Allele frequency attached by ClinVar (database versions not stated): gnomAD exomes below 0.00001; gnomAD 0.00001.
gnomAD v4.1: 3 of 1,613,388 alleles (0.00019%); highest among the groups gnomAD compares: Non-Finnish European, 0.00025%; no homozygotes.

Submissions (2):

Ambry Genetics
Classification: Uncertain significance for Inborn genetic diseases. Last evaluated: 2025-07-02. Review status: criteria provided, single submitter. Criteria: Ambry Variant Classification Scheme 2023. Collection method: clinical testing. Allele origin: germline.
Comment: The p.N1014S variant (also known as c.3041A>G), located in coding exon 1 of the SAMD9L gene, results from an A to G substitution at nucleotide position 3041. The asparagine at codon 1014 is replaced by serine, an amino acid with highly similar properties. This amino acid position is conserved. In addition, this alteration is predicted to be tolerated by in silico analysis. Based on the available evidence, the clinical significance of this variant remains unclear.

GeneDx
Classification: Uncertain significance. Last evaluated: 2023-04-05. Review status: criteria provided, single submitter. Criteria: GeneDx Variant Classification Process June 2021. Collection method: clinical testing. Allele origin: germline. Affected: yes.
Comment: Not observed at significant frequency in large population cohorts (gnomAD); In silico analysis supports that this missense variant does not alter protein structure/function; Has not been previously published as pathogenic or benign to our knowledge; This variant is associated with the following publications: (PMID: 28545555)

NM_152703.5(SAMD9L):c.3041A>G (p.Asn1014Ser)

Gene: SAMD9L (sterile alpha motif domain containing 9 like; minus strand). Cytogenetic location: 7q21.2.
Variant type: single nucleotide variant.
Coding change: c.3041A>G on transcript NM_152703.5 (MANE Select); coding-DNA position 3041, A replaced by G.
Protein change: p.Asn1014Ser; replaces asparagine 1014 with serine.
Molecular consequence: missense variant.
Genome position (GRCh38, 1-based): chr7:93,132,931, T>C on the plus strand (A>G on the coding strand, the complement: SAMD9L is on the minus strand). VCF-style: chr7-93132931-T-C. GRCh37 (hg19) VCF-style: chr7-92762244-T-C.
Other names: c.3041A>G, p.Asn1014Ser (NM_001303496.3, NM_001303497.3, NM_001303498.3 and 5 more transcripts); c.3041A>G (NM_152703.2); short protein forms N1014S.
Identifiers: ClinVar variation 2662771 (VCV002662771.2), dbSNP rs1428893258, ClinGen allele CA368185420.
Genomic context (GRCh38, chr7:93,132,931, plus strand): 5'-TCATGTTGAAATTTGTCTCTTCCTATTCCAGAATCATAGAATAAATTCTCTTCTAATATA[T>C]TCAATGCAATTTGACATTTATCCAAGTGATAGCTTCTTTCCAGTTCTTTTAGACAGTACA-3'
Protein context (NP_689916.2, residues 1004-1024): YHLDKCQIAL[Asn1014Ser]ILEENLFYDS